The following is an entry in ClinVar:

ClinVar aggregate classification (germline): Uncertain significance. Review status: criteria provided, multiple submitters, no conflicts (2 of 4 stars). 2 submissions from 2 submitters: Uncertain significance (2). Last evaluated 2025-06-14.

Conditions:
Inborn genetic diseases. Identifiers: MedGen C0950123, MeSH D030342.
Baller-Gerold syndrome (BGS). Also called: CRANIOSYNOSTOSIS WITH RADIAL DEFECTS. Identifiers: Orphanet 1225, MedGen C0265308, MONDO:0009039, OMIM 218600.

Submissions (2):

Ambry Genetics
Classification: Uncertain significance for Inborn genetic diseases. Last evaluated: 2025-06-14. Review status: criteria provided, single submitter. Criteria: Ambry Variant Classification Scheme 2023. Collection method: clinical testing. Allele origin: germline.
Comment: The p.E215K variant (also known as c.643G>A), located in coding exon 5 of the RECQL4 gene, results from a G to A substitution at nucleotide position 643. The glutamic acid at codon 215 is replaced by lysine, an amino acid with similar properties. This amino acid position is conserved. In addition, this alteration is predicted to be tolerated by in silico analysis. Based on the available evidence, the clinical significance of this variant remains unclear.

Labcorp Genetics (formerly Invitae), Labcorp
Classification: Uncertain significance for Baller-Gerold syndrome. Last evaluated: 2019-05-20. Review status: criteria provided, single submitter. Criteria: Invitae Variant Classification Sherloc (09022015). Collection method: clinical testing. Allele origin: germline.
Comment: In summary, the available evidence is currently insufficient to determine the role of this variant in disease. Therefore, it has been classified as a Variant of Uncertain Significance. Algorithms developed to predict the effect of missense changes on protein structure and function output the following: SIFT: "Tolerated"; PolyPhen-2: "Benign"; Align-GVGD: "Class C0". The lysine amino acid residue is found in multiple mammalian species, suggesting that this missense change does not adversely affect protein function. These predictions have not been confirmed by published functional studies and their clinical significance is uncertain. This variant has not been reported in the literature in individuals with RECQL4-related disease. This variant is not present in population databases (ExAC no frequency). This sequence change replaces glutamic acid with lysine at codon 215 of the RECQL4 protein (p.Glu215Lys). The glutamic acid residue is highly conserved and there is a small physicochemical difference between glutamic acid and lysine.

NM_004260.4(RECQL4):c.643G>A (p.Glu215Lys)

Gene: RECQL4 (RecQ like helicase 4; minus strand). Cytogenetic location: 8q24.3.
Variant type: single nucleotide variant.
Coding change: c.643G>A on transcript NM_004260.4 (MANE Select); coding-DNA position 643, G replaced by A.
Protein change: p.Glu215Lys; replaces glutamic acid 215 with lysine.
Molecular consequence: missense variant.
Genome position (GRCh38, 1-based): chr8:144,516,476, C>T on the plus strand (G>A on the coding strand, the complement: RECQL4 is on the minus strand). VCF-style: chr8-144516476-C-T. GRCh37 (hg19) VCF-style: chr8-145741860-C-T.
Other names: short protein forms E215K.
Identifiers: ClinVar variation 580773 (VCV000580773.7), dbSNP rs749049274, ClinGen allele CA372689946.